The following is an entry in ClinVar:

NM_000038.6(APC):c.8211G>C (p.Glu2737Asp)

Gene: APC (APC regulator of Wnt signaling pathway; plus strand). Cytogenetic location: 5q22.2.
Variant type: single nucleotide variant.
Coding change: c.8211G>C on transcript NM_000038.6 (MANE Select); coding-DNA position 8211, G replaced by C.
Protein change: p.Glu2737Asp; replaces glutamic acid 2737 with aspartic acid.
Molecular consequence: missense variant.
Genome position (GRCh38, 1-based): chr5:112,843,805, G>C. VCF-style: chr5-112843805-G-C. GRCh37 (hg19) VCF-style: chr5-112179502-G-C.
Other names: c.8211G>C, p.Glu2737Asp (NM_001127510.3, NM_001354895.2, NM_001407450.1); c.8157G>C, p.Glu2719Asp (NM_001127511.3); c.8265G>C, p.Glu2755Asp (NM_001354896.2, NM_001407447.1, NM_001407448.1 and 1 more transcripts); c.8241G>C, p.Glu2747Asp (NM_001354897.2); c.8136G>C, p.Glu2712Asp (NM_001354898.2); c.8127G>C, p.Glu2709Asp (NM_001354899.2); c.8088G>C, p.Glu2696Asp (NM_001354900.2); c.8034G>C, p.Glu2678Asp (NM_001354901.2, NM_001407453.1); and 11 more; short protein forms E2577D, E2646D, E2678D, E2712D, E2719D, E2727D, E2636D, E2654D.
Identifiers: ClinVar variation 1762482 (VCV001762482.2), dbSNP rs1366190280, ClinGen allele CA16039156.
Genomic context (GRCh38, chr5:112,843,805, plus strand): 5'-TTTGGAAAATCGCCTGAACTCCTTTATTCAGGTGGATGCCCCTGACCAAAAAGGAACTGA[G>C]ATAAAACCAGGACAAAATAATCCTGTCCCTGTATCAGAGACTAATGAAAGTTCTATAGTG-3'
Protein context (NP_000029.2, residues 2727-2747): QVDAPDQKGT[Glu2737Asp]IKPGQNNPVP

ClinVar aggregate classification (germline): Uncertain significance (1 of 4 stars; one submission).

Conditions:
Hereditary cancer-predisposing syndrome. Also called: Neoplastic Syndromes, Hereditary; Tumor predisposition; Hereditary Cancer Syndrome; Hereditary neoplastic syndrome. Identifiers: Orphanet 140162, MedGen C0027672, MeSH D009386, MONDO:0015356.

Allele frequency attached by ClinVar (database versions not stated): TOPMed below 0.00001.

Submission:

Ambry Genetics
Classification: Uncertain significance for Hereditary cancer-predisposing syndrome. Last evaluated: 2021-12-07. Review status: criteria provided, single submitter. Criteria: Ambry Variant Classification Scheme 2023. Collection method: clinical testing. Allele origin: germline.
Comment: The p.E2737D variant (also known as c.8211G>C), located in coding exon 15 of the APC gene, results from a G to C substitution at nucleotide position 8211. The glutamic acid at codon 2737 is replaced by aspartic acid, an amino acid with highly similar properties. This amino acid position is well conserved in available vertebrate species. In addition, in silico predictors for this gene do not accurately predict pathogenicity. Since supporting evidence is limited at this time, the clinical significance of this alteration remains unclear.